The following is an entry in ClinVar:

ClinVar aggregate classification (germline): Uncertain significance (1 of 4 stars; one submission).

Conditions:
Holoprosencephaly 3 (HPE3). Identifiers: Orphanet 2162, MedGen C1840529, MONDO:0007733, OMIM 142945.

Allele frequency attached by ClinVar (database versions not stated): TOPMed 0.00007; gnomAD 0.00016; 1000 Genomes Project 0.00160; 1000 Genomes Project 30x 0.00187.
gnomAD v4.1: 24 of 152,114 alleles (0.016%); highest among the groups gnomAD compares: South Asian, 0.44%; no homozygotes.

Submission:

Labcorp Genetics (formerly Invitae), Labcorp
Classification: Uncertain significance for Holoprosencephaly 3. Last evaluated: 2023-05-31. Review status: criteria provided, single submitter. Criteria: Invitae Variant Classification Sherloc (09022015). Collection method: clinical testing. Allele origin: germline.
Comment: In summary, the available evidence is currently insufficient to determine the role of this variant in disease. Therefore, it has been classified as a Variant of Uncertain Significance. Experimental studies and prediction algorithms are not available or were not evaluated, and the effect of this variant on mRNA splicing is currently unknown. This variant has not been reported in the literature in individuals affected with SHH-related conditions. This variant is present in population databases (rs551242231, gnomAD 0.01%). This variant occurs in a non-coding region of the SHH gene. It does not change the encoded amino acid sequence of the SHH protein.

NC_000007.14:g.156769436G>A

Genes: LMBR1 (limb development membrane protein 1; minus strand), SHH (sonic hedgehog signaling molecule; minus strand). Cytogenetic location: 7q36.3.
Variant type: single nucleotide variant.
Molecular consequence: intron variant (on NM_022458.4).
Genome position: GRCh38 VCF-style: chr7-156769436-G-A. GRCh37 (hg19) VCF-style: chr7-156562130-G-A.
Other names: c.361-5641C>T (NM_001363412.2); c.145-5641C>T (NM_001350954.2); c.424-5641C>T (NM_001363410.2, NM_022458.4, NM_001363409.2 and 1 more transcripts); c.-33-5641C>T (NM_001350958.2, NM_001350956.2, NM_001350955.2 and 1 more transcripts); c.55-5641C>T (NM_001350957.2, NM_001363411.2).
Identifiers: ClinVar variation 2868429 (VCV002868429.3), dbSNP rs551242231, ClinGen allele CA169820975.
Genomic context (GRCh38, chr7:156,769,436, plus strand): 5'-GCACCATTCAGACTCATTACAGGTAGGAGTAATGTAATTACCAGGGGCCCTTCCTCCTCC[G>A]CCTCCCTCTCACCACTGAGTTGAGCACATCCACCACCAGATCTGAAGGTCTTTTCATATC-3'